The following is an entry in ClinVar:

ClinVar aggregate classification (germline): Benign. Review status: criteria provided, multiple submitters, no conflicts (2 of 4 stars). 3 submissions from 3 submitters: Benign (3). Last evaluated 2024-07-15.

Allele frequency attached by ClinVar (database versions not stated): ESP Exome Variant Server 0.02814; gnomAD 0.04629 and 0.05364; TOPMed 0.05840; ExAC 0.07991; 1000 Genomes Project 30x 0.12383; 1000 Genomes Project 0.12979.
gnomAD v4.1: 78,669 of 1,585,238 alleles (5%); highest among the groups gnomAD compares: East Asian, 26%; 4,521 homozygotes.

Submissions (3):

Unidad de Genómica Garrahan, Hospital de Pediatría Garrahan
Classification: Benign. Last evaluated: 2024-07-15. Review status: criteria provided, single submitter. Criteria: ACMG Guidelines, 2015. Collection method: clinical testing. Allele origin: germline. Affected: no. Observed: 34 variant alleles.
Comment: This variant is classified as Benign based on local population frequency. This variant was detected in 37% of patients studied in a panel designed for Epileptic and Developmental Encephalopathy and Progressive Myoclonus Epilepsy. Number of patients: 34. Only high quality variants are reported.

GeneDx
Classification: Benign. Last evaluated: 2021-06-18. Review status: criteria provided, single submitter. Criteria: GeneDx Variant Classification Process June 2021. Collection method: clinical testing. Allele origin: germline. Affected: yes.

Breakthrough Genomics
Classification: Benign. Review status: criteria provided, single submitter. Criteria: ACMG Guidelines, 2015. Collection method: not provided. Allele origin: germline. Inheritance: Autosomal recessive inheritance. Affected: yes.

NM_001142416.2(AIMP1):c.772+33C>T

Gene: AIMP1 (aminoacyl tRNA synthetase complex interacting multifunctional protein 1; plus strand). Cytogenetic location: 4q24.
Variant type: single nucleotide variant.
Coding change: c.772+33C>T on transcript NM_001142416.2 (MANE Select); 33 bases into the intron after coding-DNA position 772, C replaced by T.
Molecular consequence: intron variant.
Genome position (GRCh38, 1-based): chr4:106,337,070, C>T. VCF-style: chr4-106337070-C-T. GRCh37 (hg19) VCF-style: chr4-107258227-C-T.
Other names: c.772+33C>T (NM_001142415.2, NM_004757.4).
Identifiers: ClinVar variation 1234792 (VCV001234792.6), dbSNP rs3109954, ClinGen allele CA3035796.